The following is an entry in ClinVar:

NM_173689.7(CRB2):c.1399A>G (p.Thr467Ala)

Gene: CRB2 (crumbs cell polarity complex component 2; plus strand). Cytogenetic location: 9q33.3.
Variant type: single nucleotide variant.
Coding change: c.1399A>G on transcript NM_173689.7 (MANE Select); coding-DNA position 1399, A replaced by G.
Protein change: p.Thr467Ala; replaces threonine 467 with alanine.
Molecular consequence: missense variant. On other transcripts: non-coding transcript variant (1).
Genome position (GRCh38, 1-based): chr9:123,370,452, A>G. VCF-style: chr9-123370452-A-G. GRCh37 (hg19) VCF-style: chr9-126132731-A-G.
Other names: short protein forms T467A.
Identifiers: ClinVar variation 1702539 (VCV001702539.3), dbSNP rs2132773937, ClinGen allele CA374862412.

ClinVar aggregate classification (germline): Uncertain significance (1 of 4 stars; one submission).

Allele frequency attached by ClinVar (database versions not stated): gnomAD exomes below 0.00001.
gnomAD v4.1: 2 of 1,613,302 alleles (0.00012%); highest among the groups gnomAD compares: Non-Finnish European, 0.00017%; no homozygotes.

Submission:

GeneDx
Classification: Uncertain significance. Last evaluated: 2024-02-06. Review status: criteria provided, single submitter. Criteria: GeneDx Variant Classification Process June 2021. Collection method: clinical testing. Allele origin: germline.
Comment: Not observed at significant frequency in large population cohorts (gnomAD); In silico analysis supports that this missense variant has a deleterious effect on protein structure/function; This variant is associated with the following publications: (PMID: 36071576)